The following is an entry in ClinVar:

ClinVar aggregate classification (germline): Uncertain significance (1 of 4 stars; one submission).

Conditions:
Cardiovascular phenotype. Identifiers: MedGen CN230736.

Allele frequency attached by ClinVar (database versions not stated): gnomAD exomes below 0.00001; ExAC 0.00002.
gnomAD v4.1: 2 of 1,613,688 alleles (0.00012%); highest among the groups gnomAD compares: East Asian, 0.0045%; no homozygotes.

Submission:

Ambry Genetics
Classification: Uncertain significance for Cardiovascular phenotype. Last evaluated: 2024-01-16. Review status: criteria provided, single submitter. Criteria: Ambry Variant Classification Scheme 2023. Collection method: clinical testing. Allele origin: germline.
Comment: The p.S9G variant (also known as c.25A>G) is located in coding exon 2 of the TRPM4 gene. The serine at codon 9 is replaced by glycine, an amino acid with similar properties. This change occurs in the first base pair of coding exon 2. This amino acid position is conserved. In addition, the in silico prediction for this alteration is inconclusive. Since supporting evidence is limited at this time, the clinical significance of this alteration remains unclear.

NM_017636.4(TRPM4):c.25A>G (p.Ser9Gly)

Gene: TRPM4 (transient receptor potential cation channel subfamily M member 4; plus strand). Cytogenetic location: 19q13.33.
Variant type: single nucleotide variant.
Coding change: c.25A>G on transcript NM_017636.4 (MANE Select); coding-DNA position 25, A replaced by G.
Protein change: p.Ser9Gly; replaces serine 9 with glycine.
Molecular consequence: missense variant. On other transcripts: 5 prime UTR variant (3).
Genome position (GRCh38, 1-based): chr19:49,158,192, A>G. VCF-style: chr19-49158192-A-G. GRCh37 (hg19) VCF-style: chr19-49661449-A-G.
Other names: c.25A>G, p.Ser9Gly (NM_001195227.2, NM_001321281.2); c.-1348A>G (NM_001321282.2); c.-142A>G (NM_001321283.2); c.-305A>G (NM_001321285.2); short protein forms S9G.
Identifiers: ClinVar variation 3227017 (VCV003227017.1), dbSNP rs774622226, ClinGen allele CA9568651.
Genomic context (GRCh38, chr19:49,158,192, plus strand): 5'-AGGACAGAACTGGGTGCCCTCTCACCCCACTTCCACCCCTACATTTGTTCCTGTCCCCAG[A>G]GCTGGATCCCCAAGATCTTCAAGAAGAAGACCTGCACGACGTTCATAGTTGACTCCACAG-3'
Protein context (NP_060106.2, residues 1-19): MVVPEKEQ[Ser9Gly]WIPKIFKKKT